The following is an entry in ClinVar:

NM_145886.4(PIDD1):c.1909C>T (p.Arg637Ter)

Gene: PIDD1 (p53-induced death domain protein 1; minus strand). Cytogenetic location: 11p15.5.
Variant type: single nucleotide variant.
Coding change: c.1909C>T on transcript NM_145886.4 (MANE Select); coding-DNA position 1909, C replaced by T.
Protein change: p.Arg637Ter; replaces arginine 637 with a stop codon.
Molecular consequence: nonsense.
Genome position (GRCh38, 1-based): chr11:800,770, G>A on the plus strand (C>T on the coding strand, the complement: PIDD1 is on the minus strand). VCF-style: chr11-800770-G-A. GRCh37 (hg19) VCF-style: chr11-800770-G-A.
Other names: c.1909C>T, p.Arg637Ter (NM_145887.4); c.1909C>T (NM_145886.3); short protein forms R637*.
Identifiers: ClinVar variation 2430140 (VCV002430140.2), dbSNP rs578222814, ClinGen allele CA216950419.

ClinVar aggregate classification (germline): Pathogenic/Likely pathogenic. Review status: criteria provided, multiple submitters, no conflicts (2 of 4 stars). 2 submissions from 2 submitters: Pathogenic (1); Likely pathogenic (1). Last evaluated 2023-10-31.

Conditions:
Intellectual developmental disorder, autosomal recessive 75, with neuropsychiatric features and variant lissencephaly (MRT75). Identifiers: MedGen C5676961, MONDO:0030785, OMIM 619827.

Allele frequency attached by ClinVar (database versions not stated): TOPMed 0.00001; gnomAD 0.00003; gnomAD exomes 0.00005; 1000 Genomes Project 0.00020; 1000 Genomes Project 30x 0.00031.
gnomAD v4.1: 74 of 1,548,614 alleles (0.0048%); highest among the groups gnomAD compares: Non-Finnish European, 0.0063%; no homozygotes.

Submissions (2):

GeneDx
Classification: Likely pathogenic. Last evaluated: 2023-10-31. Review status: criteria provided, single submitter. Criteria: GeneDx Variant Classification Process June 2021. Collection method: clinical testing. Allele origin: germline. Affected: yes.
Comment: Nonsense variant predicted to result in protein truncation or nonsense mediated decay in a gene for which loss of function is a known mechanism of disease; This variant is associated with the following publications: (PMID: 34163010, 37716905, 33414379)

Kasturba Medical College, Manipal, Kasturba Medical College, Manipal, Manipal Academy of Higher Education, Manipal, India
Classification: Pathogenic for Intellectual developmental disorder, autosomal recessive 75, with neuropsychiatric features and variant lissencephaly. Last evaluated: 2023-01-23. Review status: criteria provided, single submitter. Criteria: ACMG Guidelines, 2015. Collection method: clinical testing. Allele origin: germline. Affected: yes.